The following is an entry in ClinVar:

NM_022114.4(PRDM16):c.646C>T (p.Pro216Ser)

Gene: PRDM16 (PR/SET domain 16; plus strand). Cytogenetic location: 1p36.32.
Variant type: single nucleotide variant.
Coding change: c.646C>T on transcript NM_022114.4 (MANE Select); coding-DNA position 646, C replaced by T.
Protein change: p.Pro216Ser; replaces proline 216 with serine.
Molecular consequence: missense variant.
Genome position (GRCh38, 1-based): chr1:3,396,563, C>T. VCF-style: chr1-3396563-C-T. GRCh37 (hg19) VCF-style: chr1-3313127-C-T.
Other names: c.646C>T, p.Pro216Ser (NM_199454.3); short protein forms P216S.
Identifiers: ClinVar variation 2709429 (VCV002709429.3), dbSNP rs368140002, ClinGen allele CA338002024.

ClinVar aggregate classification (germline): Uncertain significance (1 of 4 stars; one submission).

Conditions:
Left ventricular noncompaction 8 (LVNC8). Identifiers: Orphanet 154, Orphanet 54260, MedGen C3809288, MONDO:0014152, OMIM 615373.

Submission:

Labcorp Genetics (formerly Invitae), Labcorp
Classification: Uncertain significance for Left ventricular noncompaction 8. Last evaluated: 2023-06-04. Review status: criteria provided, single submitter. Criteria: Invitae Variant Classification Sherloc (09022015). Collection method: clinical testing. Allele origin: germline.
Comment: This sequence change replaces proline, which is neutral and non-polar, with serine, which is neutral and polar, at codon 216 of the PRDM16 protein (p.Pro216Ser). This variant is present in population databases (no rsID available, gnomAD 0.007%). This variant has not been reported in the literature in individuals affected with PRDM16-related conditions. Algorithms developed to predict the effect of missense changes on protein structure and function output the following: SIFT: "Not Available"; PolyPhen-2: "Benign"; Align-GVGD: "Not Available". The serine amino acid residue is found in multiple mammalian species, which suggests that this missense change does not adversely affect protein function. In summary, the available evidence is currently insufficient to determine the role of this variant in disease. Therefore, it has been classified as a Variant of Uncertain Significance.